The following is an entry in ClinVar:

ClinVar aggregate classification (germline): Pathogenic (1 of 4 stars; one submission).

Submission:

Labcorp Genetics (formerly Invitae), Labcorp
Classification: Pathogenic. Last evaluated: 2022-08-22. Review status: criteria provided, single submitter. Criteria: Invitae Variant Classification Sherloc (09022015). Collection method: clinical testing. Allele origin: germline.
Comment: A gross deletion of the genomic region encompassing the full coding sequence of the SETD5 gene has been identified. Loss-of-function variants in SETD5 are known to be pathogenic (PMID: 24680889). The boundaries of this event are unknown as they extend beyond the assayed region for this gene and therefore may encompass additional genes. For these reasons, this variant has been classified as Pathogenic. This variant has not been reported in the literature in individuals affected with SETD5-related conditions.

Literature cited by the submitters: PubMed 24680889.

NC_000003.11:g.(?_6903076)_(9517775_?)del

Genes: CAV3 (caveolin 3; plus strand), GRM7 (glutamate metabotropic receptor 7; plus strand), LINC00312 (long intergenic non-protein coding RNA 312; plus strand), LMCD1 (LIM and cysteine rich domains 1; plus strand), OXTR (oxytocin receptor; minus strand) and 5 more. Cytogenetic location: 3p26.1-25.3.
Variant type: Deletion.
Identifiers: ClinVar variation 2423657 (VCV002423657.4).